The following is an entry in ClinVar:

NM_002485.5(NBN):c.1174A>C (p.Lys392Gln)

Gene: NBN (nibrin; minus strand). Cytogenetic location: 8q21.3.
Variant type: single nucleotide variant.
Coding change: c.1174A>C on transcript NM_002485.5 (MANE Select); coding-DNA position 1174, A replaced by C.
Protein change: p.Lys392Gln; replaces lysine 392 with glutamine.
Molecular consequence: missense variant.
Genome position (GRCh38, 1-based): chr8:89,955,506, T>G on the plus strand (A>C on the coding strand, the complement: NBN is on the minus strand). VCF-style: chr8-89955506-T-G. GRCh37 (hg19) VCF-style: chr8-90967734-T-G.
Other names: c.928A>C, p.Lys310Gln (NM_001024688.3, NM_001440379.1, NM_001440380.1); short protein forms K310Q, K392Q.
Identifiers: ClinVar variation 5025415 (VCV005025415.1).

ClinVar aggregate classification (germline): Uncertain significance (1 of 4 stars; one submission).

Conditions:
Hereditary cancer-predisposing syndrome. Also called: Neoplastic Syndromes, Hereditary; Tumor predisposition; Hereditary neoplastic syndrome; Hereditary Cancer Syndrome. Identifiers: Orphanet 140162, MedGen C0027672, MeSH D009386, MONDO:0015356.

Submission:

Ambry Genetics
Classification: Uncertain significance for Hereditary cancer-predisposing syndrome. Last evaluated: 2026-07-07. Review status: criteria provided, single submitter. Criteria: Ambry Variant Classification Scheme 2023. Collection method: clinical testing. Allele origin: germline.
Comment: The p.K392Q variant (also known as c.1174A>C), located in coding exon 10 of the NBN gene, results from an A to C substitution at nucleotide position 1174. The lysine at codon 392 is replaced by glutamine, an amino acid with similar properties. This amino acid position is conserved. In addition, this alteration is predicted to be tolerated by in silico analysis. Based on the available evidence, the clinical significance of this variant remains unclear.